The following is an entry in ClinVar:

ClinVar aggregate classification (germline): Uncertain significance (1 of 4 stars; one submission).

Conditions:
Fanconi anemia complementation group J. Also called: BRIP1-Related Fanconi Anemia. Identifiers: Orphanet 84, MedGen C1836860, MONDO:0012187, OMIM 609054.
Familial cancer of breast. Also called: BREAST CANCER, FAMILIAL; Hereditary breast cancer; hereditary breast carcinoma. Identifiers: Orphanet 227535, MedGen C0346153, MONDO:0016419, OMIM 114480. Disease mechanism: loss of function.

Submission:

Labcorp Genetics (formerly Invitae), Labcorp
Classification: Uncertain significance for Familial cancer of breast; Fanconi anemia complementation group J. Last evaluated: 2023-12-15. Review status: criteria provided, single submitter. Criteria: Invitae Variant Classification Sherloc (09022015). Collection method: clinical testing. Allele origin: germline.
Comment: This sequence change replaces leucine, which is neutral and non-polar, with serine, which is neutral and polar, at codon 490 of the BRIP1 protein (p.Leu490Ser). This variant is not present in population databases (gnomAD no frequency). This variant has not been reported in the literature in individuals affected with BRIP1-related conditions. Advanced modeling of protein sequence and biophysical properties (such as structural, functional, and spatial information, amino acid conservation, physicochemical variation, residue mobility, and thermodynamic stability) performed at Invitae indicates that this missense variant is expected to disrupt BRIP1 protein function with a positive predictive value of 80%. In summary, the available evidence is currently insufficient to determine the role of this variant in disease. Therefore, it has been classified as a Variant of Uncertain Significance.

NM_032043.3(BRIP1):c.1469T>C (p.Leu490Ser)

Gene: BRIP1 (BRCA1 interacting DNA helicase 1; minus strand). Cytogenetic location: 17q23.2.
Variant type: single nucleotide variant.
Coding change: c.1469T>C on transcript NM_032043.3 (MANE Select); coding-DNA position 1469, T replaced by C.
Protein change: p.Leu490Ser; replaces leucine 490 with serine.
Molecular consequence: missense variant.
Genome position (GRCh38, 1-based): chr17:61,793,601, A>G on the plus strand (T>C on the coding strand, the complement: BRIP1 is on the minus strand). VCF-style: chr17-61793601-A-G. GRCh37 (hg19) VCF-style: chr17-59870962-A-G.
Other names: short protein forms L490S.
Identifiers: ClinVar variation 2938308 (VCV002938308.3), dbSNP rs2077852333, ClinGen allele CA400482039.